The following is an entry in ClinVar:

NM_001291303.3(FAT4):c.13463G>T (p.Gly4488Val)

Gene: FAT4 (FAT atypical cadherin 4; plus strand). Cytogenetic location: 4q28.1.
Variant type: single nucleotide variant.
Coding change: c.13463G>T on transcript NM_001291303.3 (MANE Select); coding-DNA position 13463, G replaced by T.
Protein change: p.Gly4488Val; replaces glycine 4488 with valine.
Molecular consequence: missense variant.
Genome position (GRCh38, 1-based): chr4:125,490,279, G>T. VCF-style: chr4-125490279-G-T. GRCh37 (hg19) VCF-style: chr4-126411434-G-T.
Other names: c.13460G>T, p.Gly4487Val (NM_001291285.3); c.13457G>T, p.Gly4486Val (NM_024582.6); short protein forms G4486V, G4487V, G4488V.
Identifiers: ClinVar variation 2119406 (VCV002119406.4), dbSNP rs1482333544, ClinGen allele CA358136614.

ClinVar aggregate classification (germline): Uncertain significance (1 of 4 stars; one submission).

Allele frequency attached by ClinVar (database versions not stated): TOPMed below 0.00001; gnomAD 0.00001.
gnomAD v4.1: 1 of 1,613,996 alleles (0.000062%); highest among the groups gnomAD compares: African/African-American, 0.0013%; no homozygotes.

Submission:

Labcorp Genetics (formerly Invitae), Labcorp
Classification: Uncertain significance. Last evaluated: 2022-03-29. Review status: criteria provided, single submitter. Criteria: Invitae Variant Classification Sherloc (09022015). Collection method: clinical testing. Allele origin: germline.
Comment: Advanced modeling of protein sequence and biophysical properties (such as structural, functional, and spatial information, amino acid conservation, physicochemical variation, residue mobility, and thermodynamic stability) performed at Invitae indicates that this missense variant is not expected to disrupt FAT4 protein function. In summary, the available evidence is currently insufficient to determine the role of this variant in disease. Therefore, it has been classified as a Variant of Uncertain Significance. This variant has not been reported in the literature in individuals affected with FAT4-related conditions. This variant is not present in population databases (gnomAD no frequency). This sequence change replaces glycine, which is neutral and non-polar, with valine, which is neutral and non-polar, at codon 4486 of the FAT4 protein (p.Gly4486Val).